The following is an entry in ClinVar:

NM_004444.5(EPHB4):c.2230C>T (p.Arg744Cys)

Gene: EPHB4 (EPH receptor B4; minus strand). Cytogenetic location: 7q22.1.
Variant type: single nucleotide variant.
Coding change: c.2230C>T on transcript NM_004444.5 (MANE Select); coding-DNA position 2230, C replaced by T.
Protein change: p.Arg744Cys; replaces arginine 744 with cysteine.
Molecular consequence: missense variant.
Genome position (GRCh38, 1-based): chr7:100,807,469, G>A on the plus strand (C>T on the coding strand, the complement: EPHB4 is on the minus strand). VCF-style: chr7-100807469-G-A. GRCh37 (hg19) VCF-style: chr7-100405091-G-A.
Other names: short protein forms R744C.
Identifiers: ClinVar variation 2634014 (VCV002634014.4), dbSNP rs2485003613, ClinGen allele CA368568905.
Genomic context (GRCh38, chr7:100,807,469, plus strand): 5'-ATCGGGAAAGGCCAAAGTCAGACACTTTGCAGACGAGGTTGCTGTTGACTAGGATGTTGC[G>A]AGCAGCCAGGTCTCGGTGGACGTAGCTCATCTCGGCAAGGTACCGCATGCCCGAGGCGAT-3'
Protein context (NP_004435.3, residues 734-754): MSYVHRDLAA[Arg744Cys]NILVNSNLVC

ClinVar aggregate classification (germline): Uncertain significance. Review status: criteria provided, single submitter (1 of 4 stars). 2 submissions from 2 submitters: Uncertain significance (1). 1 of the submissions does not count toward it. Last evaluated 2022-04-25.

Conditions:
EPHB4-related disorder. Also called: EPHB4-related disorders; EPHB4-related condition.

Allele frequency attached by ClinVar (database versions not stated): gnomAD exomes below 0.00001.
gnomAD v4.1: 1 of 1,613,958 alleles (0.000062%); highest among the groups gnomAD compares: Non-Finnish European, 0.000085%; no homozygotes.

Submissions (2):

Blueprint Genetics
Classification: Uncertain significance. Last evaluated: 2022-04-25. Review status: criteria provided, single submitter. Criteria: ACMG Guidelines, 2015. Collection method: clinical testing. Allele origin: germline.

PreventionGenetics, part of Exact Sciences
Classification: Uncertain significance for EPHB4-related condition. Last evaluated: 2023-12-27. Review status: no assertion criteria provided. Collection method: clinical testing. Allele origin: germline. Not counted in ClinVar's aggregate classification.
Comment: The EPHB4 c.2230C>T variant is predicted to result in the amino acid substitution p.Arg744Cys. To our knowledge, this variant has not been reported in the literature or in a large population database, indicating this variant is rare. At this time, the clinical significance of this variant is uncertain due to the absence of conclusive functional and genetic evidence.